The following is an entry in ClinVar:

NM_207111.4(RNF216):c.2004G>A (p.Pro668=)

Gene: RNF216 (ring finger protein 216; minus strand). Cytogenetic location: 7p22.1.
Variant type: single nucleotide variant.
Coding change: c.2004G>A on transcript NM_207111.4 (MANE Select); coding-DNA position 2004, G replaced by A.
Protein change: p.Pro668=; no amino-acid change (proline 668 retained).
Molecular consequence: synonymous variant.
Genome position (GRCh38, 1-based): chr7:5,711,818, C>T on the plus strand (G>A on the coding strand, the complement: RNF216 is on the minus strand). VCF-style: chr7-5711818-C-T. GRCh37 (hg19) VCF-style: chr7-5751449-C-T.
Other names: p.Pro668=; c.1833G>A, p.Pro611= (NM_207116.3).
Identifiers: ClinVar variation 726595 (VCV000726595.33), dbSNP rs145934676, ClinGen allele CA4147948.

ClinVar aggregate classification (germline): Likely benign. Review status: criteria provided, multiple submitters, no conflicts (2 of 4 stars). 5 submissions from 5 submitters: Likely benign (5). Last evaluated 2025-11-01.

Allele frequency attached by ClinVar (database versions not stated): TOPMed 0.00061; ESP Exome Variant Server 0.00085; 1000 Genomes Project 30x 0.00109; 1000 Genomes Project 0.00140.
gnomAD v4.1: 393 of 1,613,914 alleles (0.024%); highest among the groups gnomAD compares: African/African-American, 0.14%; 1 homozygote.

Submissions (5):

CeGaT Center for Human Genetics Tuebingen
Classification: Likely benign. Last evaluated: 2025-11-01. Review status: criteria provided, single submitter. Criteria: CeGaT Center For Human Genetics Tuebingen Variant Classification Criteria Version 2. Collection method: clinical testing. Allele origin: germline. Affected: yes. Observed: 2 variant alleles.
Comment: RNF216: BP4, BP7

Labcorp Genetics (formerly Invitae), Labcorp
Classification: Likely benign. Last evaluated: 2025-10-06. Review status: criteria provided, single submitter. Criteria: Invitae Variant Classification Sherloc (09022015). Collection method: clinical testing. Allele origin: germline.

Mayo Clinic Laboratories, Mayo Clinic
Classification: Likely benign. Last evaluated: 2025-07-14. Review status: criteria provided, single submitter. Criteria: ACMG Guidelines, 2015. Collection method: clinical testing. Allele origin: germline. Observed: 2 variant alleles.
Comment: BS1, BP4, BP7

Blueprint Genetics
Classification: Likely benign. Last evaluated: 2024-11-11. Review status: criteria provided, single submitter. Criteria: ACMG Guidelines, 2015. Collection method: clinical testing. Allele origin: germline.

Breakthrough Genomics
Classification: Likely benign. Review status: criteria provided, single submitter. Criteria: ACMG Guidelines, 2015. Collection method: not provided. Allele origin: germline. Inheritance: Autosomal recessive inheritance. Affected: yes.